The following is an entry in ClinVar:

NM_005223.4(DNASE1):c.811A>G (p.Ile271Val)

Gene: DNASE1 (deoxyribonuclease 1; plus strand). Cytogenetic location: 16p13.3.
Variant type: single nucleotide variant.
Coding change: c.811A>G on transcript NM_005223.4 (MANE Select); coding-DNA position 811, A replaced by G.
Protein change: p.Ile271Val; replaces isoleucine 271 with valine.
Molecular consequence: missense variant. On other transcripts: non-coding transcript variant (2), intron variant (1).
Genome position (GRCh38, 1-based): chr16:3,657,915, A>G. VCF-style: chr16-3657915-A-G. GRCh37 (hg19) VCF-style: chr16-3707916-A-G.
Other names: c.811A>G, p.Ile271Val (NM_001351825.2, NM_001387135.1); c.880A>G, p.Ile294Val (NM_001387139.1); c.604A>G, p.Ile202Val (NM_001387141.1); c.*21+48A>G (NM_001387140.1); short protein forms I202V, I271V, I294V.
Identifiers: ClinVar variation 4995439 (VCV004995439.1).

ClinVar aggregate classification (germline): Uncertain significance (1 of 4 stars; one submission).

Conditions:
DNASE1-related disorder. Also called: DNASE1-related condition.

Submission:

PreventionGenetics, part of Exact Sciences
Classification: Uncertain significance for DNASE1-related condition. Last evaluated: 2025-12-28. Review status: criteria provided, single submitter. Criteria: ACMG Guidelines, 2015. Collection method: clinical testing. Allele origin: germline.
Comment: The DNASE1 c.811A>G variant is predicted to result in the amino acid substitution p.Ile271Val. To our knowledge, this variant has not been reported in the literature or in a large population database (gnomAD), indicating this variant is rare. At this time, the clinical significance of this variant is uncertain due to the absence of conclusive functional and genetic evidence.